The following is an entry in ClinVar:

NM_000548.5(TSC2):c.1932C>A (p.Cys644Ter)

Gene: TSC2 (TSC complex subunit 2; plus strand). Cytogenetic location: 16p13.3.
Variant type: single nucleotide variant.
Coding change: c.1932C>A on transcript NM_000548.5 (MANE Select); coding-DNA position 1932, C replaced by A.
Protein change: p.Cys644Ter; replaces cysteine 644 with a stop codon.
Molecular consequence: nonsense. On other transcripts: non-coding transcript variant (5).
Genome position (GRCh38, 1-based): chr16:2,071,602, C>A. VCF-style: chr16-2071602-C-A. GRCh37 (hg19) VCF-style: chr16-2121603-C-A.
Other names: c.1785C>A, p.Cys595Ter (NM_001406676.1, NM_001406679.1, NM_001318829.2 and 1 more transcripts); c.1875C>A, p.Cys625Ter (NM_001406677.1); c.1821C>A, p.Cys607Ter (NM_001406678.1, NM_001318827.2, NM_001406670.1); c.1332C>A, p.Cys444Ter (NM_001406680.1, NM_001406682.1, NM_001406683.1 and 6 more transcripts); c.1470C>A, p.Cys490Ter (NM_001406681.1); c.1932C>A, p.Cys644Ter (NM_001077183.3, NM_001114382.3, NM_001363528.2 and 6 more transcripts); c.1965C>A, p.Cys655Ter (NM_001318832.2); c.2022C>A, p.Cys674Ter (NM_001406667.1, NM_001406668.1); and 3 more; short protein forms C444*, C196*, C595*, C607*, C640*, C644*, C674*, C490*.
Identifiers: ClinVar variation 2816262 (VCV002816262.3), dbSNP rs777665839, ClinGen allele CA394273334.

ClinVar aggregate classification (germline): Pathogenic (1 of 4 stars; one submission).

Conditions:
Tuberous sclerosis 2 (TSC2). Identifiers: Orphanet 805, MedGen C1860707, MONDO:0013199, OMIM 613254.

Submission:

Labcorp Genetics (formerly Invitae), Labcorp
Classification: Pathogenic for Tuberous sclerosis 2. Last evaluated: 2023-04-11. Review status: criteria provided, single submitter. Criteria: Invitae Variant Classification Sherloc (09022015). Collection method: clinical testing. Allele origin: germline.
Comment: For these reasons, this variant has been classified as Pathogenic. This variant has not been reported in the literature in individuals affected with TSC2-related conditions. This variant is not present in population databases (gnomAD no frequency). This sequence change creates a premature translational stop signal (p.Cys644*) in the TSC2 gene. It is expected to result in an absent or disrupted protein product. Loss-of-function variants in TSC2 are known to be pathogenic (PMID: 10205261, 17304050).

Literature cited by the submitters: PubMed 10205261; PubMed 17304050.